The following is an entry in ClinVar:

ClinVar aggregate classification (germline): Uncertain significance (1 of 4 stars; one submission).

Conditions:
Inborn genetic diseases. Identifiers: MedGen C0950123, MeSH D030342.

Submission:

Ambry Genetics
Classification: Uncertain significance for Inborn genetic diseases. Last evaluated: 2024-12-14. Review status: criteria provided, single submitter. Criteria: Ambry Variant Classification Scheme 2023. Collection method: clinical testing. Allele origin: germline.
Comment: The p.M586I variant (also known as c.1758G>A), located in coding exon 11 of the F5 gene, results from a G to A substitution at nucleotide position 1758. The methionine at codon 586 is replaced by isoleucine, an amino acid with highly similar properties. This amino acid position is conserved. In addition, this alteration is predicted to be deleterious by in silico analysis. Based on the available evidence, the clinical significance of this variant remains unclear.

NM_000130.5(F5):c.1758G>A (p.Met586Ile)

Gene: F5 (coagulation factor V; minus strand). Cytogenetic location: 1q24.2.
Variant type: single nucleotide variant.
Coding change: c.1758G>A on transcript NM_000130.5 (MANE Select); coding-DNA position 1758, G replaced by A.
Protein change: p.Met586Ile; replaces methionine 586 with isoleucine.
Molecular consequence: missense variant.
Genome position (GRCh38, 1-based): chr1:169,546,446, C>T on the plus strand (G>A on the coding strand, the complement: F5 is on the minus strand). VCF-style: chr1-169546446-C-T. GRCh37 (hg19) VCF-style: chr1-169515684-C-T.
Other names: short protein forms M586I.
Identifiers: ClinVar variation 3847029 (VCV003847029.1).
Genomic context (GRCh38, chr1:169,546,446, plus strand): 5'-CATATTTCAACCACAGGAATGAAAAACTGATGAACAAAAATAGTACTCTGACTTACTGCT[C>T]ATGATGTTTGATTCATAAAACTTGGGGTCATCACGTTTCACCTCATCAGGATTTTCACAA-3'
Protein context (NP_000121.2, residues 576-596): DDPKFYESNI[Met586Ile]STINGYVPES